The following is an entry in ClinVar:

NM_002769.5(PRSS1):c.740G>A (p.Ser247Asn)

Genes: PRSS1 (serine protease 1; plus strand), TRB (T cell receptor beta locus; plus strand). Cytogenetic location: 7q34.
Variant type: single nucleotide variant.
Coding change: c.740G>A on transcript NM_002769.5 (MANE Select); coding-DNA position 740, G replaced by A.
Protein change: p.Ser247Asn; replaces serine 247 with asparagine.
Molecular consequence: missense variant.
Genome position (GRCh38, 1-based): chr7:142,753,016, G>A. VCF-style: chr7-142753016-G-A. GRCh37 (hg19) VCF-style: chr7-142460867-G-A.
Other names: c.740G>A (NM_002769.4); short protein forms S247N.
Identifiers: ClinVar variation 1054173 (VCV001054173.10), dbSNP rs1479014593, ClinGen allele CA369611156.
Genomic context (GRCh38, chr7:142,753,016, plus strand): 5'-GAGTCTACACCAAGGTCTACAACTATGTGAAATGGATTAAGAACACCATAGCTGCCAATA[G>A]CTAAAGCCCCCAGTATCTCTTCAGTCTCTATACCAATAAAGTGACCCTGTTCTCACTGTC-3'
Protein context (NP_002760.1, residues 237-247): KWIKNTIAAN[Ser247Asn]

ClinVar aggregate classification (germline): Uncertain significance. Review status: criteria provided, multiple submitters, no conflicts (2 of 4 stars). 2 submissions from 2 submitters: Uncertain significance (2). Last evaluated 2026-02-16.

Conditions:
Hereditary pancreatitis (PCTT). Also called: PRSS1-Related Hereditary Pancreatitis; Hereditary chronic pancreatitis. Identifiers: Orphanet 676, MedGen C0238339, MONDO:0008185, OMIM 167800.

Submissions (2):

Ambry Genetics
Classification: Uncertain significance for Hereditary pancreatitis. Last evaluated: 2026-02-16. Review status: criteria provided, single submitter. Criteria: Ambry Variant Classification Scheme 2023. Collection method: clinical testing. Allele origin: germline.
Comment: The p.S247N variant (also known as c.740G>A), located in coding exon 5 of the PRSS1 gene, results from a G to A substitution at nucleotide position 740. The serine at codon 247 is replaced by asparagine, an amino acid with highly similar properties. This amino acid position is conserved. In addition, this alteration is predicted to be tolerated by in silico analysis. Based on the available evidence, the clinical significance of this variant remains unclear.

Labcorp Genetics (formerly Invitae), Labcorp
Classification: Uncertain significance for Hereditary pancreatitis. Last evaluated: 2021-07-22. Review status: criteria provided, single submitter. Criteria: Invitae Variant Classification Sherloc (09022015). Collection method: clinical testing. Allele origin: germline.
Comment: In summary, the available evidence is currently insufficient to determine the role of this variant in disease. Therefore, it has been classified as a Variant of Uncertain Significance. Algorithms developed to predict the effect of missense changes on protein structure and function output the following: SIFT: "Tolerated"; PolyPhen-2: "Benign"; Align-GVGD: "Class C0". The asparagine amino acid residue is found in multiple mammalian species, suggesting that this missense change does not adversely affect protein function. These predictions have not been confirmed by published functional studies and their clinical significance is uncertain. This variant has not been reported in the literature in individuals with PRSS1-related conditions. This variant is not present in population databases (ExAC no frequency). This sequence change replaces serine with asparagine at codon 247 of the PRSS1 protein (p.Ser247Asn). The serine residue is weakly conserved and there is a small physicochemical difference between serine and asparagine.